The following is an entry in ClinVar:

NM_001365536.1(SCN9A):c.596+4A>G

Gene: SCN9A (sodium voltage-gated channel alpha subunit 9; minus strand). Cytogenetic location: 2q24.3.
Variant type: single nucleotide variant.
Coding change: c.596+4A>G on transcript NM_001365536.1 (MANE Select); 4 bases into the intron after coding-DNA position 596, A replaced by G.
Molecular consequence: intron variant.
Genome position (GRCh38, 1-based): chr2:166,305,788, T>C on the plus strand (A>G on the coding strand, the complement: SCN9A is on the minus strand). VCF-style: chr2-166305788-T-C. GRCh37 (hg19) VCF-style: chr2-167162298-T-C.
Other names: c.596+4A>G (NM_002977.4).
Identifiers: ClinVar variation 3747995 (VCV003747995.2).

ClinVar aggregate classification (germline): Uncertain significance (1 of 4 stars; one submission).

Conditions:
Generalized epilepsy with febrile seizures plus, type 7 (GEFSP7). Also called: GEFS+, TYPE 7. Identifiers: Orphanet 36387, MedGen C2751778, MONDO:0013470, OMIM 613863.
Neuropathy, hereditary sensory and autonomic, type 2A (HSAN2A). Also called: MORVAN DISEASE; NEUROPATHY, CONGENITAL SENSORY; NEUROPATHY, HEREDITARY SENSORY RADICULAR, AUTOSOMAL RECESSIVE; NEUROPATHY, HEREDITARY SENSORY, TYPE IIA; NEUROPATHY, PROGRESSIVE SENSORY, OF CHILDREN; HSAN IIA. Identifiers: Orphanet 970, MedGen C2752089, MONDO:0024309, OMIM 201300.

Submission:

Labcorp Genetics (formerly Invitae), Labcorp
Classification: Uncertain significance for Neuropathy, hereditary sensory and autonomic, type 2A; Generalized epilepsy with febrile seizures plus, type 7. Last evaluated: 2024-09-05. Review status: criteria provided, single submitter. Criteria: Invitae Variant Classification Sherloc (09022015). Collection method: clinical testing. Allele origin: germline.
Comment: This sequence change falls in intron 5 of the SCN9A gene. It does not directly change the encoded amino acid sequence of the SCN9A protein. It affects a nucleotide within the consensus splice site. This variant is not present in population databases (gnomAD no frequency). This variant has not been reported in the literature in individuals affected with SCN9A-related conditions. Variants that disrupt the consensus splice site are a relatively common cause of aberrant splicing (PMID: 17576681, 9536098). Algorithms developed to predict the effect of sequence changes on RNA splicing suggest that this variant may disrupt the consensus splice site. In summary, the available evidence is currently insufficient to determine the role of this variant in disease. Therefore, it has been classified as a Variant of Uncertain Significance.

Literature cited by the submitters: PubMed 17576681; PubMed 9536098.